The following is an entry in ClinVar:

NM_012268.4(PLD3):c.707A>G (p.Asn236Ser)

Gene: PLD3 (phospholipase D family member 3; plus strand). Cytogenetic location: 19q13.2.
Variant type: single nucleotide variant.
Coding change: c.707A>G on transcript NM_012268.4 (MANE Select); coding-DNA position 707, A replaced by G.
Protein change: p.Asn236Ser; replaces asparagine 236 with serine.
Molecular consequence: missense variant.
Genome position (GRCh38, 1-based): chr19:40,371,701, A>G. VCF-style: chr19-40371701-A-G. GRCh37 (hg19) VCF-style: chr19-40877608-A-G.
Other names: c.707A>G, p.Asn236Ser (NM_001031696.4, NM_001291311.2); short protein forms N236S.
Identifiers: ClinVar variation 1921879 (VCV001921879.5), dbSNP rs375716725, ClinGen allele CA9442814.

ClinVar aggregate classification (germline): Uncertain significance (1 of 4 stars; one submission).

Allele frequency attached by ClinVar (database versions not stated): ExAC 0.00002; TOPMed 0.00002; gnomAD 0.00003; gnomAD exomes 0.00003; ESP Exome Variant Server 0.00008.
gnomAD v4.1: 51 of 1,613,610 alleles (0.0032%); highest among the groups gnomAD compares: Non-Finnish European, 0.0038%; no homozygotes.

Submission:

Labcorp Genetics (formerly Invitae), Labcorp
Classification: Uncertain significance. Last evaluated: 2022-03-11. Review status: criteria provided, single submitter. Criteria: Invitae Variant Classification Sherloc (09022015). Collection method: clinical testing. Allele origin: germline.
Comment: In summary, the available evidence is currently insufficient to determine the role of this variant in disease. Therefore, it has been classified as a Variant of Uncertain Significance. Algorithms developed to predict the effect of missense changes on protein structure and function are either unavailable or do not agree on the potential impact of this missense change (SIFT: "Deleterious"; PolyPhen-2: "Probably Damaging"; Align-GVGD: "Class C0"). This variant has not been reported in the literature in individuals affected with PLD3-related conditions. This variant is present in population databases (rs375716725, gnomAD 0.002%). This sequence change replaces asparagine, which is neutral and polar, with serine, which is neutral and polar, at codon 236 of the PLD3 protein (p.Asn236Ser).